The following is an entry in ClinVar:

ClinVar aggregate classification (germline): Uncertain significance (1 of 4 stars; one submission).

Conditions:
Kabuki syndrome. Also called: Kabuki make-up syndrome; NIIKAWA-KUROKI SYNDROME. Identifiers: Orphanet 2322, MedGen C0796004, MONDO:0016512.

Allele frequency attached by ClinVar (database versions not stated): gnomAD exomes below 0.00001; ExAC 0.00001.
gnomAD v4.1: 1 of 1,612,800 alleles (0.000062%); highest among the groups gnomAD compares: Admixed American, 0.0017%; no homozygotes.

Submission:

Labcorp Genetics (formerly Invitae), Labcorp
Classification: Uncertain significance for Kabuki syndrome. Last evaluated: 2023-11-28. Review status: criteria provided, single submitter. Criteria: Invitae Variant Classification Sherloc (09022015). Collection method: clinical testing. Allele origin: germline.
Comment: This sequence change falls in intron 35 of the KMT2D gene. It does not directly change the encoded amino acid sequence of the KMT2D protein. It affects a nucleotide within the consensus splice site. This variant is present in population databases (rs751309157, gnomAD 0.003%). This variant has not been reported in the literature in individuals affected with KMT2D-related conditions. Variants that disrupt the consensus splice site are a relatively common cause of aberrant splicing (PMID: 17576681, 9536098). Algorithms developed to predict the effect of sequence changes on RNA splicing suggest that this variant is not likely to affect RNA splicing. In summary, the available evidence is currently insufficient to determine the role of this variant in disease. Therefore, it has been classified as a Variant of Uncertain Significance.

Literature cited by the submitters: PubMed 17576681; PubMed 9536098.

NM_003482.4(KMT2D):c.10356-3C>T

Gene: KMT2D (lysine methyltransferase 2D; minus strand). Cytogenetic location: 12q13.12.
Variant type: single nucleotide variant.
Coding change: c.10356-3C>T on transcript NM_003482.4 (MANE Select); 3 bases into the intron before coding-DNA position 10356, C replaced by T.
Molecular consequence: intron variant.
Genome position (GRCh38, 1-based): chr12:49,034,669, G>A on the plus strand (C>T on the coding strand, the complement: KMT2D is on the minus strand). VCF-style: chr12-49034669-G-A. GRCh37 (hg19) VCF-style: chr12-49428452-G-A.
Identifiers: ClinVar variation 2913473 (VCV002913473.3), dbSNP rs751309157, ClinGen allele CA6546527.